The following is an entry in ClinVar:

NM_057175.5(NAA15):c.1237G>C (p.Val413Leu)

Gene: NAA15 (N-alpha-acetyltransferase 15, NatA auxiliary subunit; plus strand). Cytogenetic location: 4q31.1.
Variant type: single nucleotide variant.
Coding change: c.1237G>C on transcript NM_057175.5 (MANE Select); coding-DNA position 1237, G replaced by C.
Protein change: p.Val413Leu; replaces valine 413 with leucine.
Molecular consequence: missense variant.
Genome position (GRCh38, 1-based): chr4:139,357,535, G>C. VCF-style: chr4-139357535-G-C. GRCh37 (hg19) VCF-style: chr4-140278689-G-C.
Other names: c.1237G>C, p.Val413Leu (NM_001410842.1, NM_025085.2); short protein forms V413L.
Identifiers: ClinVar variation 3233810 (VCV003233810.2), dbSNP rs575715969, ClinGen allele CA358266307.

ClinVar aggregate classification (germline): Uncertain significance (1 of 4 stars; one submission).

Submission:

Women's Health and Genetics/Laboratory Corporation of America, LabCorp
Classification: Uncertain significance. Last evaluated: 2024-03-22. Review status: criteria provided, single submitter. Criteria: LabCorp Variant Classification Summary - May 2015. Collection method: clinical testing. Allele origin: germline.
Comment: Variant summary: NAA15 c.1237G>C (p.Val413Leu) results in a conservative amino acid change in the encoded protein sequence. Four of five in-silico tools predict a benign effect of the variant on protein function. The variant was absent in 245944 control chromosomes. The available data on variant occurrences in the general population are insufficient to allow any conclusion about variant significance. To our knowledge, no occurrence of c.1237G>C in individuals affected with Intellectual Disability, Autosomal Dominant 50 and no experimental evidence demonstrating its impact on protein function have been reported. No submitters have cited clinical-significance assessments for this variant to ClinVar. Based on the evidence outlined above, the variant was classified as uncertain significance.